The following is an entry in ClinVar:

ClinVar aggregate classification (germline): Pathogenic/Likely pathogenic. Review status: criteria provided, multiple submitters, no conflicts (2 of 4 stars). 5 submissions from 5 submitters: Pathogenic (1); Likely pathogenic (3). 1 of the submissions does not count toward it. Last evaluated 2025-09-29.

Conditions:
Zellweger spectrum disorders (ZS). Also called: Zellweger Spectrum Disorder; Zellweger Spectrum; Zellweger syndrome; Zellweger Spectrum Disorder (ZSD). Identifiers: Orphanet 912, MedGen C0043459, MONDO:0019609.
Peroxisome biogenesis disorder 1A (Zellweger) (PBD1A). Also called: Zellweger leukodystrophy; Peroxisome biogenesis disorder 1a. Identifiers: MedGen C4721541, MONDO:0008953, OMIM 214100.
Heimler syndrome 1 (HMLR1). Also called: PEROXISOME BIOGENESIS DISORDER 1C. Identifiers: Orphanet 3220, MedGen C4551980, OMIM 234580, MONDO:0024544.
Peroxisome biogenesis disorder 1B (PBD1B). Also called: Refsum disease, infantile form; Infantile Refsum disease; Infantile form of phytanic acid storage disease; PEROXISOME BIOGENESIS DISORDER (NEONATAL ADRENOLEUKODYSTROPHY/INFANTILE REFSUM DISEASE); INFANTILE PHYTANIC ACID STORAGE DISEASE; PEROXISOME BIOGENESIS DISORDER (NALD/IRD). Identifiers: Orphanet 44, MedGen C0282527, MONDO:0011101, OMIM 601539.

Allele frequency attached by ClinVar (database versions not stated): gnomAD exomes below 0.00001; ExAC 0.00001.

Submissions (5):

Natera, Inc.
Classification: Likely pathogenic for Zellweger syndrome. Last evaluated: 2025-09-29. Review status: criteria provided, single submitter. Criteria: Natera Variant Classification Schema (03/2026). Collection method: clinical testing. Allele origin: germline.
Comment: The c.2852dupA variant in PEX1 is a frameshift variant predicted to shift the reading frame beginning at codon 951 and leads to a stop codon 2 codons downstream. This variant is expected to result in nonsense mediated decay, truncation, or a dysfunctional protein product. This variant is rare in the general population with a frequency below the threshold expected for the associated phenotype(s). Given the available evidence, this variant is classified as Likely Pathogenic.

GeneDx
Classification: Likely pathogenic. Last evaluated: 2025-07-21. Review status: criteria provided, single submitter. Criteria: GeneDx Variant Classification Process June 2021. Collection method: clinical testing. Allele origin: germline. Affected: yes.
Comment: Reported previously in a large cohort study of carrier frequencies for autosomal recessive inherited retinal diseases; however, no specific patient information was provided (PMID: 31964843); Frameshift variant predicted to result in protein truncation or nonsense mediated decay in a gene for which loss of function is a known mechanism of disease; Not observed at significant frequency in large population cohorts (gnomAD); This variant is associated with the following publications: (PMID: 31964843)

Fulgent Genetics
Classification: Likely pathogenic for Peroxisome biogenesis disorder 1A (Zellweger); Heimler syndrome 1; Peroxisome biogenesis disorder 1B. Last evaluated: 2024-05-01. Review status: criteria provided, single submitter. Criteria: ACMG Guidelines, 2015. Collection method: clinical testing. Allele origin: germline.

Labcorp Genetics (formerly Invitae), Labcorp
Classification: Pathogenic for Zellweger spectrum disorders. Last evaluated: 2023-08-11. Review status: criteria provided, single submitter. Criteria: Invitae Variant Classification Sherloc (09022015). Collection method: clinical testing. Allele origin: germline.
Comment: This variant is present in population databases (rs767877383, gnomAD 0.003%). This sequence change creates a premature translational stop signal (p.His951Glnfs*2) in the PEX1 gene. It is expected to result in an absent or disrupted protein product. Loss-of-function variants in PEX1 are known to be pathogenic (PMID: 21031596, 26387595, 31831025). This variant has not been reported in the literature in individuals affected with PEX1-related conditions. ClinVar contains an entry for this variant (Variation ID: 558383). For these reasons, this variant has been classified as Pathogenic.

Counsyl
Classification: Likely pathogenic for Peroxisome biogenesis disorder 1A (Zellweger). Last evaluated: 2018-05-18. Review status: no assertion criteria provided. Collection method: clinical testing. Allele origin: unknown. Not counted in ClinVar's aggregate classification.

Literature cited by the submitters: PubMed 21031596 (cited by Labcorp Genetics (formerly Invitae), Labcorp); PubMed 26387595 (cited by Labcorp Genetics (formerly Invitae), Labcorp); PubMed 31831025 (cited by Labcorp Genetics (formerly Invitae), Labcorp).

NM_000466.3(PEX1):c.2852dup (p.His951fs)

Genes: PEX1 (peroxisomal biogenesis factor 1; minus strand), GATAD1 (GATA zinc finger domain containing 1; plus strand). Cytogenetic location: 7q21.2.
Variant type: Duplication.
Coding change: c.2852dup on transcript NM_000466.3 (MANE Select); coding-DNA position 2852, one base duplicated (A; older notation c.2852dupA).
Protein change: p.His951fs; shifts the reading frame from histidine 951.
Molecular consequence: frameshift variant.
Genome position (GRCh38, 1-based): chr7:92,494,561, T duplicated on the plus strand (A on the coding strand, the reverse complement: PEX1 is on the minus strand). VCF-style (leftmost placement, unchanged base first): chr7-92494560-A-AT. GRCh37 (hg19) VCF-style: chr7-92123874-A-AT.
Other names: c.2852dupA (NM_000466.2); c.2681dup, p.His894fs (NM_001282677.2); c.2228dup, p.His743fs (NM_001282678.2); c.2852dup (NM_000466.2); short protein forms H743fs, H951fs, H894fs.
Identifiers: ClinVar variation 558383 (VCV000558383.8), dbSNP rs767877383, ClinGen allele CA4340991.